The following is an entry in ClinVar:

NM_002160.4(TNC):c.5732G>A (p.Arg1911Gln)

Gene: TNC (tenascin C; minus strand). Cytogenetic location: 9q33.1.
Variant type: single nucleotide variant.
Coding change: c.5732G>A on transcript NM_002160.4 (MANE Select); coding-DNA position 5732, G replaced by A.
Protein change: p.Arg1911Gln; replaces arginine 1911 with glutamine.
Molecular consequence: missense variant.
Genome position (GRCh38, 1-based): chr9:115,035,259, C>T on the plus strand (G>A on the coding strand, the complement: TNC is on the minus strand). VCF-style: chr9-115035259-C-T. GRCh37 (hg19) VCF-style: chr9-117797538-C-T.
Other names: c.5186G>A, p.Arg1729Gln (NM_001410991.1); c.5732G>A (NM_002160.3); short protein forms R1729Q, R1911Q.
Identifiers: ClinVar variation 2571337 (VCV002571337.28), dbSNP rs530735519, ClinGen allele CA5207547.

ClinVar aggregate classification (germline): Conflicting classifications of pathogenicity. Review status: criteria provided, conflicting classifications (1 of 4 stars). 2 submissions from 2 submitters: Uncertain significance (1); Benign (1). Last evaluated 2025-08-05.

Allele frequency attached by ClinVar (database versions not stated): TOPMed 0.00002; gnomAD 0.00005; gnomAD exomes 0.00009; ExAC 0.00017; 1000 Genomes Project 30x 0.00047; 1000 Genomes Project 0.00060.
gnomAD v4.1: 141 of 1,612,994 alleles (0.0087%); highest among the groups gnomAD compares: South Asian, 0.12%; 1 homozygote.

Submissions (2):

Ambry Genetics
Classification: Uncertain significance. Last evaluated: 2025-08-05. Review status: criteria provided, single submitter. Criteria: Ambry Variant Classification Scheme 2023. Collection method: clinical testing. Allele origin: germline.

CeGaT Center for Human Genetics Tuebingen
Classification: Benign. Last evaluated: 2023-04-01. Review status: criteria provided, single submitter. Criteria: CeGaT Center For Human Genetics Tuebingen Variant Classification Criteria Version 2. Collection method: clinical testing. Allele origin: germline. Affected: yes. Observed: 1 variant allele.
Comment: TNC: BP4, BS1, BS2